The following is an entry in ClinVar:

ClinVar aggregate classification (germline): Pathogenic (1 of 4 stars; one submission).

Conditions:
Hereditary cancer-predisposing syndrome. Also called: Neoplastic Syndromes, Hereditary; Tumor predisposition; Hereditary Cancer Syndrome; Hereditary neoplastic syndrome. Identifiers: Orphanet 140162, MedGen C0027672, MeSH D009386, MONDO:0015356.

Submission:

Ambry Genetics
Classification: Pathogenic for Hereditary cancer-predisposing syndrome. Last evaluated: 2023-04-07. Review status: criteria provided, single submitter. Criteria: Ambry Variant Classification Scheme 2023. Collection method: clinical testing. Allele origin: germline.
Comment: The c.1252dupC variant, located in coding exon 8 of the FLCN gene, results from a duplication of C at nucleotide position 1252, causing a translational frameshift with a predicted alternate stop codon (p.L418Pfs*38). This variant is considered to be rare based on population cohorts in the Genome Aggregation Database (gnomAD). This alteration is expected to result in loss of function by premature protein truncation or nonsense-mediated mRNA decay. As such, this alteration is interpreted as a disease-causing mutation.

NM_144997.7(FLCN):c.1252dup (p.Leu418fs)

Gene: FLCN (folliculin; minus strand). Cytogenetic location: 17p11.2.
Variant type: Duplication.
Coding change: c.1252dup on transcript NM_144997.7 (MANE Select); coding-DNA position 1252, one base duplicated (C; older notation c.1252dupC).
Protein change: p.Leu418fs; shifts the reading frame from leucine 418.
Molecular consequence: frameshift variant.
Genome position (GRCh38, 1-based): chr17:17,216,428, G duplicated on the plus strand (C on the coding strand, the reverse complement: FLCN is on the minus strand); the first of 2 consecutive G bases (chr17:17,216,428-17,216,429); duplicating either gives the same sequence. VCF-style (leftmost placement, unchanged base first): chr17-17216427-A-AG. GRCh37 (hg19) VCF-style: chr17-17119741-A-AG.
Other names: c.1252dupC (NM_144997.5); c.1306dup, p.Leu436fs (NM_001353229.2); c.1252dup, p.Leu418fs (NM_001353230.2, NM_001353231.2); short protein forms L418fs, L436fs.
Identifiers: ClinVar variation 1761074 (VCV001761074.3), dbSNP rs864622651, ClinGen allele CA2580092721.